The following is an entry in ClinVar:

ClinVar aggregate classification (germline): Uncertain significance. Review status: criteria provided, multiple submitters, no conflicts (2 of 4 stars). 4 submissions from 4 submitters: Uncertain significance (3). 1 of the submissions does not count toward it. Last evaluated 2024-11-13.

Conditions:
Fanconi anemia (FA). Also called: Fanconi's anemia. Identifiers: Orphanet 84, MedGen C0015625, MeSH D005199, MONDO:0019391.
Fanconi anemia complementation group G. Also called: FANCG-Related Fanconi Anemia; Fanconi anemia group G. Identifiers: Orphanet 84, MedGen C3469527, MONDO:0013565, OMIM 614082.

Allele frequency attached by ClinVar (database versions not stated): ExAC 0.00001; gnomAD exomes 0.00001 and 0.00002; gnomAD 0.00003 and 0.00004; TOPMed 0.00003.

Submissions (4):

Labcorp Genetics (formerly Invitae), Labcorp
Classification: Uncertain significance for Fanconi anemia. Last evaluated: 2024-11-13. Review status: criteria provided, single submitter. Criteria: Invitae Variant Classification Sherloc (09022015). Collection method: clinical testing. Allele origin: germline.
Comment: This sequence change replaces arginine, which is basic and polar, with histidine, which is basic and polar, at codon 141 of the FANCG protein (p.Arg141His). This variant is present in population databases (rs775719850, gnomAD 0.01%). This variant has not been reported in the literature in individuals affected with FANCG-related conditions. ClinVar contains an entry for this variant (Variation ID: 999134). Invitae Evidence Modeling of protein sequence and biophysical properties (such as structural, functional, and spatial information, amino acid conservation, physicochemical variation, residue mobility, and thermodynamic stability) indicates that this missense variant is not expected to disrupt FANCG protein function with a negative predictive value of 80%. In summary, the available evidence is currently insufficient to determine the role of this variant in disease. Therefore, it has been classified as a Variant of Uncertain Significance.

Fulgent Genetics
Classification: Uncertain significance for Fanconi anemia complementation group G. Last evaluated: 2024-05-17. Review status: criteria provided, single submitter. Criteria: ACMG Guidelines, 2015. Collection method: clinical testing. Allele origin: germline.

Sema4
Classification: Uncertain significance for Fanconi anemia. Last evaluated: 2021-05-18. Review status: criteria provided, single submitter. Criteria: Sema4 Curation Guidelines. Collection method: curation. Allele origin: germline.
Comment: The FANCG c.422G>A (p.R141H) variant has not been reported in the literature to our knowledge. It was observed in 1/10356 chromosomes of the Ashkenazi Jewish subpopulation in the large and broad cohorts of the Genome Aggregation Database (PMID: 32461654) and has been reported in ClinVar (Variation ID 999134). In silico tools suggest the impact of the variant on protein function is benign, though these predictions have not been confirmed by functional studies. The evidence is insufficient to meet ACMG/AMP criteria for classifying the variant as benign or pathogenic. Thus, the clinical significance of this variant is currently uncertain.

Natera, Inc.
Classification: Uncertain significance for Fanconi anemia group G. Last evaluated: 2020-09-09. Review status: no assertion criteria provided. Collection method: clinical testing. Allele origin: germline. Not counted in ClinVar's aggregate classification.

NM_004629.2(FANCG):c.422G>A (p.Arg141His)

Gene: FANCG (FA complementation group G; minus strand). Cytogenetic location: 9p13.3.
Variant type: single nucleotide variant.
Coding change: c.422G>A on transcript NM_004629.2 (MANE Select); coding-DNA position 422, G replaced by A.
Protein change: p.Arg141His; replaces arginine 141 with histidine.
Molecular consequence: missense variant.
Genome position (GRCh38, 1-based): chr9:35,078,229, C>T on the plus strand (G>A on the coding strand, the complement: FANCG is on the minus strand). VCF-style: chr9-35078229-C-T. GRCh37 (hg19) VCF-style: chr9-35078226-C-T.
Other names: c.422G>A (NM_004629.1); short protein forms R141H.
Identifiers: ClinVar variation 999134 (VCV000999134.8), dbSNP rs775719850, ClinGen allele CA5040048.